The following is an entry in ClinVar:

NM_000038.6(APC):c.7069A>G (p.Lys2357Glu)

Gene: APC (APC regulator of Wnt signaling pathway; plus strand). Cytogenetic location: 5q22.2.
Variant type: single nucleotide variant.
Coding change: c.7069A>G on transcript NM_000038.6 (MANE Select); coding-DNA position 7069, A replaced by G.
Protein change: p.Lys2357Glu; replaces lysine 2357 with glutamic acid.
Molecular consequence: missense variant.
Genome position (GRCh38, 1-based): chr5:112,842,663, A>G. VCF-style: chr5-112842663-A-G. GRCh37 (hg19) VCF-style: chr5-112178360-A-G.
Other names: c.6985A>G, p.Lys2329Glu (NM_001354899.2); c.6892A>G, p.Lys2298Glu (NM_001354901.2); c.6691A>G, p.Lys2231Glu (NM_001354904.2); c.6796A>G, p.Lys2266Glu (NM_001354902.2); c.6766A>G, p.Lys2256Glu (NM_001354903.2); c.6946A>G, p.Lys2316Glu (NM_001354900.2); c.7069A>G, p.Lys2357Glu (NM_001127510.3, NM_001354895.2); c.7015A>G, p.Lys2339Glu (NM_001127511.3); and 5 more; short protein forms K2339E, K2357E, K2266E, K2231E, K2298E, K2367E, K2375E, K2074E.
Identifiers: ClinVar variation 489490 (VCV000489490.20), dbSNP rs1554087972, ClinGen allele CA16036732.
Genomic context (GRCh38, chr5:112,842,663, plus strand): 5'-AGTCCTCCTAACAAATTATCTCAACTTCCAAGGACATCATCCCCTAGTACTGCTTCAACT[A>G]AGTCCTCAGGTTCTGGAAAAATGTCATATACATCTCCAGGTAGACAGATGAGCCAACAGA-3'
Protein context (NP_000029.2, residues 2347-2367): RTSSPSTAST[Lys2357Glu]SSGSGKMSYT

ClinVar aggregate classification (germline): Uncertain significance. Review status: criteria provided, multiple submitters, no conflicts (2 of 4 stars). 3 submissions from 3 submitters: Uncertain significance (3). Last evaluated 2024-11-22.

Conditions:
Hereditary cancer-predisposing syndrome. Also called: Hereditary Cancer Syndrome; Neoplastic Syndromes, Hereditary; Tumor predisposition; Hereditary neoplastic syndrome. Identifiers: Orphanet 140162, MedGen C0027672, MeSH D009386, MONDO:0015356.
Familial adenomatous polyposis 1 (FAP1). Also called: POLYPOSIS, ADENOMATOUS INTESTINAL; FAMILIAL ADENOMATOUS POLYPOSIS 1, ATTENUATED. Identifiers: MedGen C2713442, MONDO:0021056, OMIM 175100. Disease mechanism: loss of function.

Allele frequency attached by ClinVar (database versions not stated): gnomAD exomes below 0.00001.
gnomAD v4.1: 1 of 1,613,694 alleles (0.000062%); highest among the groups gnomAD compares: Non-Finnish European, 0.000085%; no homozygotes.

Submissions (3):

Labcorp Genetics (formerly Invitae), Labcorp
Classification: Uncertain significance for Familial adenomatous polyposis 1. Last evaluated: 2024-11-22. Review status: criteria provided, single submitter. Criteria: Invitae Variant Classification Sherloc (09022015). Collection method: clinical testing. Allele origin: germline.
Comment: This sequence change replaces lysine, which is basic and polar, with glutamic acid, which is acidic and polar, at codon 2357 of the APC protein (p.Lys2357Glu). This variant is not present in population databases (gnomAD no frequency). This variant has not been reported in the literature in individuals affected with APC-related conditions. ClinVar contains an entry for this variant (Variation ID: 489490). Invitae Evidence Modeling of protein sequence and biophysical properties (such as structural, functional, and spatial information, amino acid conservation, physicochemical variation, residue mobility, and thermodynamic stability) indicates that this missense variant is not expected to disrupt APC protein function with a negative predictive value of 95%. In summary, the available evidence is currently insufficient to determine the role of this variant in disease. Therefore, it has been classified as a Variant of Uncertain Significance.

Ambry Genetics
Classification: Uncertain significance for Hereditary cancer-predisposing syndrome. Last evaluated: 2024-03-17. Review status: criteria provided, single submitter. Criteria: Ambry Variant Classification Scheme 2023. Collection method: clinical testing. Allele origin: germline.
Comment: The p.K2357E variant (also known as c.7069A>G), located in coding exon 15 of the APC gene, results from an A to G substitution at nucleotide position 7069. The lysine at codon 2357 is replaced by glutamic acid, an amino acid with similar properties. This amino acid position is well conserved in available vertebrate species. In addition, in silico predictors for this gene do not accurately predict pathogenicity. Since supporting evidence is limited at this time, the clinical significance of this alteration remains unclear.

Color Diagnostics, LLC DBA Color Health
Classification: Uncertain significance for Hereditary cancer-predisposing syndrome. Last evaluated: 2024-03-06. Review status: criteria provided, single submitter. Criteria: ACMG Guidelines, 2015. Collection method: clinical testing. Allele origin: germline.
Comment: This missense variant replaces lysine with glutamic acid at codon 2357 of the APC protein. Computational prediction suggests that this variant may not impact protein structure and function (internally defined REVEL score threshold <= 0.5, PMID: 27666373). Splice site prediction tools suggest that this variant may not impact RNA splicing. To our knowledge, functional studies have not been performed for this variant. This variant has not been reported in individuals affected with hereditary cancer in the literature. This variant has not been identified in the general population by the Genome Aggregation Database (gnomAD). The available evidence is insufficient to determine the role of this variant in disease conclusively. Therefore, this variant is classified as a Variant of Uncertain Significance.